The following is an entry in ClinVar:

ClinVar aggregate classification (germline): Uncertain significance (0 of 4 stars; one submission).

Conditions:
PCNT-related disorder. Also called: PCNT-related condition.

gnomAD v4.1: 2 of 1,614,104 alleles (0.00012%); highest among the groups gnomAD compares: African/African-American, 0.0013%; no homozygotes.

Submission:

PreventionGenetics, part of Exact Sciences
Classification: Uncertain significance for PCNT-related condition. Last evaluated: 2024-01-24. Review status: no assertion criteria provided. Collection method: clinical testing. Allele origin: germline.
Comment: The PCNT c.7057C>A variant is predicted to result in the amino acid substitution p.Pro2353Thr. To our knowledge, this variant has not been reported in the literature or in a large population database, indicating this variant is rare. At this time, the clinical significance of this variant is uncertain due to the absence of conclusive functional and genetic evidence.

NM_006031.6(PCNT):c.7057C>A (p.Pro2353Thr)

Gene: PCNT (pericentrin; plus strand). Cytogenetic location: 21q22.3.
Variant type: single nucleotide variant.
Coding change: c.7057C>A on transcript NM_006031.6 (MANE Select); coding-DNA position 7057, C replaced by A.
Protein change: p.Pro2353Thr; replaces proline 2353 with threonine.
Molecular consequence: missense variant.
Genome position (GRCh38, 1-based): chr21:46,422,002, C>A. VCF-style: chr21-46422002-C-A. GRCh37 (hg19) VCF-style: chr21-47841916-C-A.
Other names: c.6703C>A, p.Pro2235Thr (NM_001315529.2); short protein forms P2235T, P2353T.
Identifiers: ClinVar variation 3354866 (VCV003354866.1).